The following is an entry in ClinVar:

ClinVar aggregate classification (germline): Uncertain significance (1 of 4 stars; one submission).

Allele frequency attached by ClinVar (database versions not stated): gnomAD 0.00001; TOPMed below 0.00001.
gnomAD v4.1: 7 of 1,613,964 alleles (0.00043%); highest among the groups gnomAD compares: Non-Finnish European, 0.00034%; no homozygotes.

Submission:

GeneDx
Classification: Uncertain significance. Last evaluated: 2022-01-28. Review status: criteria provided, single submitter. Criteria: GeneDx Variant Classification Process June 2021. Collection method: clinical testing. Allele origin: germline. Affected: yes.
Comment: In silico analysis supports that this missense variant has a deleterious effect on protein structure/function; Has not been previously published as pathogenic or benign to our knowledge

NM_001278064.2(GRM1):c.2006C>T (p.Ala669Val)

Gene: GRM1 (glutamate metabotropic receptor 1; plus strand). Cytogenetic location: 6q24.3.
Variant type: single nucleotide variant.
Coding change: c.2006C>T on transcript NM_001278064.2 (MANE Select); coding-DNA position 2006, C replaced by T.
Protein change: p.Ala669Val; replaces alanine 669 with valine.
Molecular consequence: missense variant.
Genome position (GRCh38, 1-based): chr6:146,399,045, C>T. VCF-style: chr6-146399045-C-T. GRCh37 (hg19) VCF-style: chr6-146720181-C-T.
Other names: c.2006C>T, p.Ala669Val (NM_001278065.2, NM_001278066.1, NM_001278067.1); short protein forms A669V.
Identifiers: ClinVar variation 1699817 (VCV001699817.2), dbSNP rs776187845, ClinGen allele CA366194627.